The following is an entry in ClinVar:

ClinVar aggregate classification (germline): Likely benign (1 of 4 stars; one submission).

gnomAD v4.1: 94 of 1,614,084 alleles (0.0058%); highest among the groups gnomAD compares: Middle Eastern, 0.049%; no homozygotes.

Submission:

CeGaT Center for Human Genetics Tuebingen
Classification: Likely benign. Last evaluated: 2025-04-01. Review status: criteria provided, single submitter. Criteria: CeGaT Center For Human Genetics Tuebingen Variant Classification Criteria Version 2. Collection method: clinical testing. Allele origin: germline. Affected: yes. Observed: 1 variant allele.
Comment: SETD1A: BP4, BP7

NM_014712.3(SETD1A):c.1023C>T (p.Ser341=)

Gene: SETD1A (SET domain containing 1A, histone lysine methyltransferase; plus strand). Cytogenetic location: 16p11.2.
Variant type: single nucleotide variant.
Coding change: c.1023C>T on transcript NM_014712.3 (MANE Select); coding-DNA position 1023, C replaced by T.
Protein change: p.Ser341=; no amino-acid change (serine 341 retained).
Molecular consequence: synonymous variant.
Genome position (GRCh38, 1-based): chr16:30,964,765, C>T. VCF-style: chr16-30964765-C-T. GRCh37 (hg19) VCF-style: chr16-30976086-C-T.
Identifiers: ClinVar variation 3898366 (VCV003898366.7).